The following is an entry in ClinVar:

ClinVar aggregate classification (germline): Uncertain significance (1 of 4 stars; one submission).

Conditions:
Gastrointestinal stromal tumor. Also called: Gastrointestinal stromal tumor, somatic; Gastrointestinal stroma tumor. Identifiers: Orphanet 44890, MedGen C0238198, MeSH D046152, MONDO:0011719, OMIM 606764, HP:0100723.

gnomAD v4.1: 1 of 1,613,896 alleles (0.000062%); no homozygotes.

Submission:

Labcorp Genetics (formerly Invitae), Labcorp
Classification: Uncertain significance for Gastrointestinal stromal tumor. Last evaluated: 2020-03-14. Review status: criteria provided, single submitter. Criteria: Invitae Variant Classification Sherloc (09022015). Collection method: clinical testing. Allele origin: germline.
Comment: In summary, the available evidence is currently insufficient to determine the role of this variant in disease. Therefore, it has been classified as a Variant of Uncertain Significance. Algorithms developed to predict the effect of sequence changes on RNA splicing suggest that this variant may create or strengthen a splice site, but this prediction has not been confirmed by published transcriptional studies. Algorithms developed to predict the effect of missense changes on protein structure and function (SIFT, PolyPhen-2, Align-GVGD) all suggest that this variant is likely to be tolerated, but these predictions have not been confirmed by published functional studies and their clinical significance is uncertain. This variant has not been reported in the literature in individuals with PDGFRA-related conditions. This variant is not present in population databases (ExAC no frequency). This sequence change replaces asparagine with serine at codon 728 of the PDGFRA protein (p.Asn728Ser). The asparagine residue is moderately conserved and there is a small physicochemical difference between asparagine and serine.

NM_006206.6(PDGFRA):c.2183A>G (p.Asn728Ser)

Gene: PDGFRA (platelet derived growth factor receptor alpha; plus strand). Cytogenetic location: 4q12.
Variant type: single nucleotide variant.
Coding change: c.2183A>G on transcript NM_006206.6 (MANE Select); coding-DNA position 2183, A replaced by G.
Protein change: p.Asn728Ser; replaces asparagine 728 with serine.
Molecular consequence: missense variant.
Genome position (GRCh38, 1-based): chr4:54,280,342, A>G. VCF-style: chr4-54280342-A-G. GRCh37 (hg19) VCF-style: chr4-55146509-A-G.
Other names: c.2183A>G, p.Asn728Ser (NM_001347827.2, NM_001347829.2); c.2258A>G, p.Asn753Ser (NM_001347828.2); c.2222A>G, p.Asn741Ser (NM_001347830.2); short protein forms N728S, N741S, N753S.
Identifiers: ClinVar variation 1061471 (VCV001061471.9), dbSNP rs2110323443, ClinGen allele CA356894247.